The following is an entry in ClinVar:

ClinVar aggregate classification (germline): Uncertain significance (1 of 4 stars; one submission).

Conditions:
Intellectual developmental disorder 61. Also called: MENTAL RETARDATION, AUTOSOMAL DOMINANT 61; INTELLECTUAL DEVELOPMENTAL DISORDER, AUTOSOMAL DOMINANT 61. Identifiers: MedGen C5231400, MONDO:0032485, OMIM 618009.

Allele frequency attached by ClinVar (database versions not stated): gnomAD exomes below 0.00001; TOPMed 0.00001.
gnomAD v4.1: 1 of 1,613,948 alleles (0.000062%); highest among the groups gnomAD compares: African/African-American, 0.0013%; no homozygotes.

Submission:

Laboratorio de Genetica e Diagnostico Molecular, Hospital Israelita Albert Einstein
Classification: Uncertain significance for Intellectual developmental disorder 61. Last evaluated: 2022-03-10. Review status: criteria provided, single submitter. Criteria: ACMG Guidelines, 2015. Collection method: clinical testing. Allele origin: germline. Affected: yes.
Comment: ACMG classification criteria: PM2 moderated

NM_005121.3(MED13):c.1618C>T (p.Pro540Ser)

Gene: MED13 (mediator complex subunit 13; minus strand). Cytogenetic location: 17q23.2.
Variant type: single nucleotide variant.
Coding change: c.1618C>T on transcript NM_005121.3 (MANE Select); coding-DNA position 1618, C replaced by T.
Protein change: p.Pro540Ser; replaces proline 540 with serine.
Molecular consequence: missense variant.
Genome position (GRCh38, 1-based): chr17:62,010,899, G>A on the plus strand (C>T on the coding strand, the complement: MED13 is on the minus strand). VCF-style: chr17-62010899-G-A. GRCh37 (hg19) VCF-style: chr17-60088260-G-A.
Other names: short protein forms P540S.
Identifiers: ClinVar variation 2431753 (VCV002431753.2), dbSNP rs1233356265, ClinGen allele CA400518555.
Genomic context (GRCh38, chr17:62,010,899, plus strand): 5'-AATGTTGACTCTGAGGAGTTGAAGGTGTTTTAGTCACTCCTTCATCAACCACATCACAAG[G>A]GTGAGGACTAAGTGGGGGTGGTTGAGGTGAATTTGCCATTTCGGTGCCATGCATCTGAGG-3'
Protein context (NP_005112.2, residues 530-550): SPQPPPLSPH[Pro540Ser]CDVVDEGVTK